The following is an entry in ClinVar:

ClinVar aggregate classification (germline): Uncertain significance (1 of 4 stars; one submission).

Allele frequency attached by ClinVar (database versions not stated): gnomAD exomes below 0.00001; TOPMed below 0.00001; ExAC 0.00001; gnomAD 0.00001.
gnomAD v4.1: 3 of 1,614,014 alleles (0.00019%); highest among the groups gnomAD compares: African/African-American, 0.004%; no homozygotes.

Submission:

Labcorp Genetics (formerly Invitae), Labcorp
Classification: Uncertain significance. Last evaluated: 2022-08-16. Review status: criteria provided, single submitter. Criteria: Invitae Variant Classification Sherloc (09022015). Collection method: clinical testing. Allele origin: germline.
Comment: This sequence change replaces methionine, which is neutral and non-polar, with isoleucine, which is neutral and non-polar, at codon 934 of the MTOR protein (p.Met934Ile). In summary, the available evidence is currently insufficient to determine the role of this variant in disease. Therefore, it has been classified as a Variant of Uncertain Significance. Advanced modeling of protein sequence and biophysical properties (such as structural, functional, and spatial information, amino acid conservation, physicochemical variation, residue mobility, and thermodynamic stability) performed at Invitae indicates that this missense variant is not expected to disrupt MTOR protein function. ClinVar contains an entry for this variant (Variation ID: 1388353). This variant has not been reported in the literature in individuals affected with MTOR-related conditions. This variant is present in population databases (rs755958687, gnomAD 0.008%).

NM_004958.4(MTOR):c.2802G>T (p.Met934Ile)

Gene: MTOR (mechanistic target of rapamycin kinase; minus strand). Cytogenetic location: 1p36.22.
Variant type: single nucleotide variant.
Coding change: c.2802G>T on transcript NM_004958.4 (MANE Select); coding-DNA position 2802, G replaced by T.
Protein change: p.Met934Ile; replaces methionine 934 with isoleucine.
Molecular consequence: missense variant.
Genome position (GRCh38, 1-based): chr1:11,228,896, C>A on the plus strand (G>T on the coding strand, the complement: MTOR is on the minus strand). VCF-style: chr1-11228896-C-A. GRCh37 (hg19) VCF-style: chr1-11288953-C-A.
Other names: c.2802G>T, p.Met934Ile (NM_001386500.1); c.1554G>T, p.Met518Ile (NM_001386501.1); short protein forms M518I, M934I.
Identifiers: ClinVar variation 1388353 (VCV001388353.8), dbSNP rs755958687, ClinGen allele CA590361.
Genomic context (GRCh38, chr1:11,228,896, plus strand): 5'-GGCCACCATGGACACAGCTGGGTAGAACTCATCCAGAGGCAAGTTTCCCATGTTGACCAG[C>A]ATTTCACTAGTGCTATAGTCAGCTAGGACAAAACAACAGAGAGTGTTAGAGCTACACATG-3'
Protein context (NP_004949.1, residues 924-944): QDSSDYSTSE[Met934Ile]LVNMGNLPLD